The following is an entry in ClinVar:

ClinVar aggregate classification (germline): Uncertain significance. Review status: criteria provided, multiple submitters, no conflicts (2 of 4 stars). 3 submissions from 3 submitters: Uncertain significance (3). Last evaluated 2026-07-07.

Conditions:
Tuberous sclerosis 1 (TSC1). Identifiers: Orphanet 805, MedGen C1854465, MONDO:0008612, OMIM 191100.
Tuberous sclerosis syndrome (TSC). Also called: Tuberous Sclerosis Complex; Tuberous sclerosis. Identifiers: Orphanet 805, MedGen C0041341, MONDO:0001734.
Hereditary cancer-predisposing syndrome. Also called: Neoplastic Syndromes, Hereditary; Hereditary Cancer Syndrome; Tumor predisposition; Hereditary neoplastic syndrome. Identifiers: Orphanet 140162, MedGen C0027672, MeSH D009386, MONDO:0015356.

Allele frequency attached by ClinVar (database versions not stated): gnomAD exomes below 0.00001.

Submissions (3):

Ambry Genetics
Classification: Uncertain significance for Hereditary cancer-predisposing syndrome. Last evaluated: 2026-07-07. Review status: criteria provided, single submitter. Criteria: Ambry Variant Classification Scheme 2023. Collection method: clinical testing. Allele origin: germline.
Comment: The p.M1004L variant (also known as c.3010A>T), located in coding exon 21 of the TSC1 gene, results from an A to T substitution at nucleotide position 3010. The methionine at codon 1004 is replaced by leucine, an amino acid with highly similar properties. This amino acid position is conserved. In addition, this alteration is predicted to be tolerated by in silico analysis. Based on the available evidence, the clinical significance of this variant remains unclear.

Labcorp Genetics (formerly Invitae), Labcorp
Classification: Uncertain significance for Tuberous sclerosis 1. Last evaluated: 2025-04-22. Review status: criteria provided, single submitter. Criteria: Invitae Variant Classification Sherloc (09022015). Collection method: clinical testing. Allele origin: germline.
Comment: This sequence change replaces methionine, which is neutral and non-polar, with leucine, which is neutral and non-polar, at codon 1004 of the TSC1 protein (p.Met1004Leu). This variant is not present in population databases (gnomAD no frequency). This variant has not been reported in the literature in individuals affected with TSC1-related conditions. ClinVar contains an entry for this variant (Variation ID: 955601). Invitae Evidence Modeling of protein sequence and biophysical properties (such as structural, functional, and spatial information, amino acid conservation, physicochemical variation, residue mobility, and thermodynamic stability) indicates that this missense variant is not expected to disrupt TSC1 protein function with a negative predictive value of 95%. In summary, the available evidence is currently insufficient to determine the role of this variant in disease. Therefore, it has been classified as a Variant of Uncertain Significance.

All of Us Research Program, National Institutes of Health
Classification: Uncertain significance for Tuberous sclerosis syndrome. Last evaluated: 2024-08-06. Review status: criteria provided, single submitter. Criteria: ACMG Guidelines, 2015. Collection method: clinical testing. Allele origin: germline. Inheritance: Autosomal dominant inheritance. Observed: 1 variant allele, 1 heterozygote.
Comment: This study involves interpretation of variants in research participants for the purpose of population health screening. Participant phenotype was not available at the time of variant classification. Additional details can be found in publication PMID: 35346344, PMCID: PMC8962531

NM_000368.5(TSC1):c.3010A>T (p.Met1004Leu)

Gene: TSC1 (TSC complex subunit 1; minus strand). Cytogenetic location: 9q34.13.
Variant type: single nucleotide variant.
Coding change: c.3010A>T on transcript NM_000368.5 (MANE Select); coding-DNA position 3010, A replaced by T.
Protein change: p.Met1004Leu; replaces methionine 1004 with leucine.
Molecular consequence: missense variant.
Genome position (GRCh38, 1-based): chr9:132,896,720, T>A on the plus strand (A>T on the coding strand, the complement: TSC1 is on the minus strand). VCF-style: chr9-132896720-T-A. GRCh37 (hg19) VCF-style: chr9-135772107-T-A.
Other names: c.3007A>T, p.Met1003Leu (NM_001162426.2); c.2857A>T, p.Met953Leu (NM_001162427.2); c.2647A>T, p.Met883Leu (NM_001362177.2); short protein forms M1003L, M1004L, M883L, M953L.
Identifiers: ClinVar variation 955601 (VCV000955601.11), dbSNP rs371879917, ClinGen allele CA200925832.